The following is an entry in ClinVar:

ClinVar aggregate classification (germline): Uncertain significance (1 of 4 stars; one submission).

gnomAD v4.1: 1 of 1,608,894 alleles (0.000062%); no homozygotes.

Submission:

Labcorp Genetics (formerly Invitae), Labcorp
Classification: Uncertain significance. Last evaluated: 2025-03-17. Review status: criteria provided, single submitter. Criteria: Invitae Variant Classification Sherloc (09022015). Collection method: clinical testing. Allele origin: germline.
Comment: This sequence change creates a premature translational stop signal (p.Tyr195*) in the GPR45 gene. While this is not anticipated to result in nonsense mediated decay, it is expected to disrupt the last 178 amino acid(s) of the GPR45 protein. This variant is not present in population databases (gnomAD no frequency). This variant has not been reported in the literature in individuals affected with GPR45-related conditions. Experimental studies and prediction algorithms are not available or were not evaluated, and the functional significance of this variant is currently unknown. In summary, the available evidence is currently insufficient to determine the role of this variant in disease. Therefore, it has been classified as a Variant of Uncertain Significance.

NM_007227.3(GPR45):c.585C>A (p.Tyr195Ter)

Gene: GPR45 (G protein-coupled receptor 45; plus strand). Cytogenetic location: 2q12.1.
Variant type: single nucleotide variant.
Coding change: c.585C>A on transcript NM_007227.3 (MANE Select); coding-DNA position 585, C replaced by A.
Protein change: p.Tyr195Ter; replaces tyrosine 195 with a stop codon.
Molecular consequence: nonsense.
Genome position (GRCh38, 1-based): chr2:105,242,443, C>A. VCF-style: chr2-105242443-C-A. GRCh37 (hg19) VCF-style: chr2-105858900-C-A.
Other names: short protein forms Y195*.
Identifiers: ClinVar variation 3691086 (VCV003691086.2).